The following is an entry in ClinVar:

ClinVar aggregate classification (germline): Uncertain significance (1 of 4 stars; one submission).

Conditions:
Inborn genetic diseases. Identifiers: MedGen C0950123, MeSH D030342.

Submission:

Ambry Genetics
Classification: Uncertain significance for Inborn genetic diseases. Last evaluated: 2026-07-23. Review status: criteria provided, single submitter. Criteria: Ambry Variant Classification Scheme 2023. Collection method: clinical testing. Allele origin: germline.
Comment: The p.Q611K variant (also known as c.1831C>A), located in coding exon 18 of the ANKRD26 gene, results from a C to A substitution at nucleotide position 1831. The glutamine at codon 611 is replaced by lysine, an amino acid with similar properties. This amino acid position is conserved. In addition, this alteration is predicted to be tolerated by in silico analysis. Based on the available evidence, the clinical significance of this variant remains unclear.

NM_014915.3(ANKRD26):c.1831C>A (p.Gln611Lys)

Gene: ANKRD26 (ankyrin repeat domain 26; minus strand). Cytogenetic location: 10p12.1.
Variant type: single nucleotide variant.
Coding change: c.1831C>A on transcript NM_014915.3 (MANE Select); coding-DNA position 1831, C replaced by A.
Protein change: p.Gln611Lys; replaces glutamine 611 with lysine.
Molecular consequence: missense variant.
Genome position (GRCh38, 1-based): chr10:27,046,507, G>T on the plus strand (C>A on the coding strand, the complement: ANKRD26 is on the minus strand). VCF-style: chr10-27046507-G-T. GRCh37 (hg19) VCF-style: chr10-27335436-G-T.
Other names: c.1828C>A, p.Gln610Lys (NM_001256053.2); short protein forms Q610K, Q611K.
Identifiers: ClinVar variation 5023276 (VCV005023276.1).